The following is an entry in ClinVar:

NM_001923.5(DDB1):c.456C>G (p.Leu152=)

Gene: DDB1 (damage specific DNA binding protein 1; minus strand). Cytogenetic location: 11q12.2.
Variant type: single nucleotide variant.
Coding change: c.456C>G on transcript NM_001923.5 (MANE Select); coding-DNA position 456, C replaced by G.
Protein change: p.Leu152=; no amino-acid change (leucine 152 retained).
Molecular consequence: synonymous variant.
Genome position (GRCh38, 1-based): chr11:61,329,456, G>C on the plus strand (C>G on the coding strand, the complement: DDB1 is on the minus strand). VCF-style: chr11-61329456-G-C. GRCh37 (hg19) VCF-style: chr11-61096928-G-C.
Identifiers: ClinVar variation 4823711 (VCV004823711.4).

ClinVar aggregate classification (germline): Likely benign (1 of 4 stars; one submission).

gnomAD v4.1: 1 of 1,614,158 alleles (0.000062%); highest among the groups gnomAD compares: Non-Finnish European, 0.000085%; no homozygotes.

Submission:

CeGaT Center for Human Genetics Tuebingen
Classification: Likely benign. Last evaluated: 2026-03-01. Review status: criteria provided, single submitter. Criteria: CeGaT Center For Human Genetics Tuebingen Variant Classification Criteria Version 2. Collection method: clinical testing. Allele origin: germline. Affected: yes. Observed: 1 variant allele.
Comment: DDB1: BP4, BP7